The following is an entry in ClinVar:

NM_001374385.1(ATP8B1):c.1473+16C>T

Gene: ATP8B1 (ATPase phospholipid transporting 8B1; minus strand). Cytogenetic location: 18q21.31.
Variant type: single nucleotide variant.
Coding change: c.1473+16C>T on transcript NM_001374385.1 (MANE Select); 16 bases into the intron after coding-DNA position 1473, C replaced by T.
Molecular consequence: intron variant.
Genome position (GRCh38, 1-based): chr18:57,685,056, G>A on the plus strand (C>T on the coding strand, the complement: ATP8B1 is on the minus strand). VCF-style: chr18-57685056-G-A. GRCh37 (hg19) VCF-style: chr18-55352288-G-A.
Other names: c.1473+16C>T (NM_005603.6); c.1323+16C>T (NM_001374386.1).
Identifiers: ClinVar variation 506776 (VCV000506776.4), dbSNP rs34187170, ClinGen allele CA8974562.

ClinVar aggregate classification (germline): Likely benign. Review status: criteria provided, multiple submitters, no conflicts (2 of 4 stars). 2 submissions from 2 submitters: Likely benign (2). Last evaluated 2024-03-13.

Allele frequency attached by ClinVar (database versions not stated): gnomAD exomes 0.00004 and 0.00015; ESP Exome Variant Server 0.00008; TOPMed 0.00010; gnomAD 0.00012; ExAC 0.00014; 1000 Genomes Project 30x 0.00016; 1000 Genomes Project 0.00020.

Submissions (2):

Labcorp Genetics (formerly Invitae), Labcorp
Classification: Likely benign. Last evaluated: 2024-03-13. Review status: criteria provided, single submitter. Criteria: Invitae Variant Classification Sherloc (09022015). Collection method: clinical testing. Allele origin: germline.

GeneDx
Classification: Likely benign. Last evaluated: 2017-01-25. Review status: criteria provided, single submitter. Criteria: GeneDx Variant Classification (06012015). Collection method: clinical testing. Allele origin: germline. Affected: yes.
Comment: This variant is considered likely benign or benign based on one or more of the following criteria: it is a conservative change, it occurs at a poorly conserved position in the protein, it is predicted to be benign by multiple in silico algorithms, and/or has population frequency not consistent with disease.